The following is an entry in ClinVar:

NM_000843.4(GRM6):c.722-4C>T

Gene: GRM6 (glutamate metabotropic receptor 6; minus strand). Cytogenetic location: 5q35.3.
Variant type: single nucleotide variant.
Coding change: c.722-4C>T on transcript NM_000843.4 (MANE Select); 4 bases into the intron before coding-DNA position 722, C replaced by T.
Molecular consequence: intron variant.
Genome position (GRCh38, 1-based): chr5:178,991,563, G>A on the plus strand (C>T on the coding strand, the complement: GRM6 is on the minus strand). VCF-style: chr5-178991563-G-A. GRCh37 (hg19) VCF-style: chr5-178418564-G-A.
Other names: c.722-4C>T (NM_000843.3).
Identifiers: ClinVar variation 1164984 (VCV001164984.11), dbSNP rs200256450, ClinGen allele CA3594371.

ClinVar aggregate classification (germline): Benign/Likely benign. Review status: criteria provided, multiple submitters, no conflicts (2 of 4 stars). 3 submissions from 3 submitters: Benign (1); Likely benign (1). 1 of the submissions does not count toward it. Last evaluated 2026-01-11.

Conditions:
GRM6-related disorder. Also called: GRM6-related condition.

Allele frequency attached by ClinVar (database versions not stated): TOPMed 0.00003; gnomAD 0.00012; ESP Exome Variant Server 0.00015; gnomAD exomes 0.00023 and 0.00043; ExAC 0.00051; 1000 Genomes Project 30x 0.00094; 1000 Genomes Project 0.00120.
gnomAD v4.1: 359 of 1,613,862 alleles (0.022%); highest among the groups gnomAD compares: South Asian, 0.37%; 4 homozygotes.

Submissions (3):

Labcorp Genetics (formerly Invitae), Labcorp
Classification: Benign. Last evaluated: 2026-01-11. Review status: criteria provided, single submitter. Criteria: Invitae Variant Classification Sherloc (09022015). Collection method: clinical testing. Allele origin: germline.

Blueprint Genetics
Classification: Likely benign. Last evaluated: 2024-10-25. Review status: criteria provided, single submitter. Criteria: ACMG Guidelines, 2015. Collection method: clinical testing. Allele origin: germline.

PreventionGenetics, part of Exact Sciences
Classification: Likely benign for GRM6-related condition. Last evaluated: 2024-08-14. Review status: no assertion criteria provided. Collection method: clinical testing. Allele origin: germline. Not counted in ClinVar's aggregate classification.
Comment: This variant is classified as likely benign based on ACMG/AMP sequence variant interpretation guidelines (Richards et al. 2015 PMID: 25741868, with internal and published modifications).